The following is an entry in ClinVar:

NM_198428.3(BBS9):c.755_756del (p.Ser252fs)

Gene: BBS9 (Bardet-Biedl syndrome 9; plus strand). Cytogenetic location: 7p14.3.
Variant type: Microsatellite.
Coding change: c.755_756del on transcript NM_198428.3 (MANE Select); coding-DNA positions 755 to 756, 2 bases deleted (CT; older notation c.755_756delCT).
Protein change: p.Ser252fs; shifts the reading frame from serine 252.
Molecular consequence: frameshift variant. On other transcripts: non-coding transcript variant (3).
Genome position (GRCh38, 1-based): chr7:33,273,064-33,273,065, CT deleted; deleting any 2 consecutive bases within chr7:33,273,061-33,273,065 gives the same sequence; the c. name uses the placement nearest the transcript's 3' end. VCF-style (leftmost placement, unchanged base first): chr7-33273060-GTC-G. GRCh37 (hg19) VCF-style: chr7-33312672-GTC-G.
Other names: c.755_756del, p.Ser252fs (NM_001033604.2, NM_001033605.2, NM_001348036.1 and 5 more transcripts); c.389_390del, p.Ser130fs (NM_001348037.3, NM_001348044.3, NM_001348045.3 and 1 more transcripts); c.482_483del, p.Ser161fs (NM_001348038.3, NM_001348039.3); c.620_621del, p.Ser207fs (NM_001348042.3); short protein forms S161fs, S207fs, S130fs, S252fs.
Identifiers: ClinVar variation 5002385 (VCV005002385.1).

ClinVar aggregate classification (germline): Likely pathogenic (1 of 4 stars; one submission).

Conditions:
BBS9-related disorder. Also called: BBS9-related condition.

Submission:

PreventionGenetics, part of Exact Sciences
Classification: Likely pathogenic for BBS9-related condition. Last evaluated: 2025-05-07. Review status: criteria provided, single submitter. Criteria: ACMG Guidelines, 2015. Collection method: clinical testing. Allele origin: germline.
Comment: The BBS9 c.755_756delCT variant is predicted to result in a frameshift and premature protein termination (p.Ser252Phefs*13). To our knowledge, this variant has not been reported in the literature or in a large population database (gnomAD), indicating this variant is rare. Frameshift variants in BBS9 are expected to be pathogenic. This variant is interpreted as likely pathogenic.